The following is an entry in ClinVar:

NM_006231.4(POLE):c.1733T>C (p.Leu578Ser)

Gene: POLE (DNA polymerase epsilon, catalytic subunit; minus strand). Cytogenetic location: 12q24.33.
Variant type: single nucleotide variant.
Coding change: c.1733T>C on transcript NM_006231.4 (MANE Select); coding-DNA position 1733, T replaced by C.
Protein change: p.Leu578Ser; replaces leucine 578 with serine.
Molecular consequence: missense variant.
Genome position (GRCh38, 1-based): chr12:132,672,276, A>G on the plus strand (T>C on the coding strand, the complement: POLE is on the minus strand). VCF-style: chr12-132672276-A-G. GRCh37 (hg19) VCF-style: chr12-133248862-A-G.
Other names: short protein forms L578S.
Identifiers: ClinVar variation 1516798 (VCV001516798.6), dbSNP rs2135990741, ClinGen allele CA387356333.

ClinVar aggregate classification (germline): Uncertain significance (1 of 4 stars; one submission).

Submission:

Labcorp Genetics (formerly Invitae), Labcorp
Classification: Uncertain significance. Last evaluated: 2021-11-11. Review status: criteria provided, single submitter. Criteria: Invitae Variant Classification Sherloc (09022015). Collection method: clinical testing. Allele origin: germline.
Comment: Algorithms developed to predict the effect of missense changes on protein structure and function (SIFT, PolyPhen-2, Align-GVGD) all suggest that this variant is likely to be disruptive. This variant has not been reported in the literature in individuals affected with POLE-related conditions. This sequence change replaces leucine, which is neutral and non-polar, with serine, which is neutral and polar, at codon 578 of the POLE protein (p.Leu578Ser). This variant is not present in population databases (gnomAD no frequency). In summary, the available evidence is currently insufficient to determine the role of this variant in disease. Therefore, it has been classified as a Variant of Uncertain Significance.